The following is an entry in ClinVar:

NM_001160148.2(DDHD1):c.1535G>A (p.Arg512Gln)

Gene: DDHD1 (DDHD domain containing 1; minus strand). Cytogenetic location: 14q22.1.
Variant type: single nucleotide variant.
Coding change: c.1535G>A on transcript NM_001160148.2 (MANE Select); coding-DNA position 1535, G replaced by A.
Protein change: p.Arg512Gln; replaces arginine 512 with glutamine.
Molecular consequence: missense variant.
Genome position (GRCh38, 1-based): chr14:53,063,174, C>T on the plus strand (G>A on the coding strand, the complement: DDHD1 is on the minus strand). VCF-style: chr14-53063174-C-T. GRCh37 (hg19) VCF-style: chr14-53529892-C-T.
Other names: c.1556G>A, p.Arg519Gln (NM_001160147.2); c.1535G>A, p.Arg512Gln (NM_030637.3); short protein forms R512Q, R519Q.
Identifiers: ClinVar variation 1495064 (VCV001495064.3), dbSNP rs146473667, ClinGen allele CA7191203.

ClinVar aggregate classification (germline): Uncertain significance (1 of 4 stars; one submission).

Conditions:
Hereditary spastic paraplegia 28. Also called: Spastic paraplegia 28, autosomal recessive. Identifiers: Orphanet 101008, MedGen C1836295, MONDO:0012256, OMIM 609340.

Allele frequency attached by ClinVar (database versions not stated): ExAC 0.00002; gnomAD 0.00003; gnomAD exomes 0.00002; TOPMed 0.00002; ESP Exome Variant Server 0.00008.
gnomAD v4.1: 25 of 1,613,642 alleles (0.0015%); highest among the groups gnomAD compares: Non-Finnish European, 0.0019%; no homozygotes.

Submission:

Labcorp Genetics (formerly Invitae), Labcorp
Classification: Uncertain significance for Hereditary spastic paraplegia 28. Last evaluated: 2021-10-30. Review status: criteria provided, single submitter. Criteria: Invitae Variant Classification Sherloc (09022015). Collection method: clinical testing. Allele origin: germline.
Comment: This sequence change replaces arginine, which is basic and polar, with glutamine, which is neutral and polar, at codon 519 of the DDHD1 protein (p.Arg519Gln). This variant is present in population databases (rs146473667, gnomAD 0.003%). This variant has not been reported in the literature in individuals affected with DDHD1-related conditions. Algorithms developed to predict the effect of missense changes on protein structure and function are either unavailable or do not agree on the potential impact of this missense change (SIFT: "Deleterious"; PolyPhen-2: "Probably Damaging"; Align-GVGD: "Class C0"). In summary, the available evidence is currently insufficient to determine the role of this variant in disease. Therefore, it has been classified as a Variant of Uncertain Significance.